The following is an entry in ClinVar:

NM_000088.4(COL1A1):c.3952C>G (p.Pro1318Ala)

Gene: COL1A1 (collagen type I alpha 1 chain; minus strand). Cytogenetic location: 17q21.33.
Variant type: single nucleotide variant.
Coding change: c.3952C>G on transcript NM_000088.4 (MANE Select); coding-DNA position 3952, C replaced by G.
Protein change: p.Pro1318Ala; replaces proline 1318 with alanine.
Molecular consequence: missense variant.
Genome position (GRCh38, 1-based): chr17:50,186,370, G>C on the plus strand (C>G on the coding strand, the complement: COL1A1 is on the minus strand). VCF-style: chr17-50186370-G-C. GRCh37 (hg19) VCF-style: chr17-48263731-G-C.
Other names: short protein forms P1318A.
Identifiers: ClinVar variation 2904023 (VCV002904023.3), dbSNP rs2509160113, ClinGen allele CA400193283.

ClinVar aggregate classification (germline): Uncertain significance (1 of 4 stars; one submission).

Conditions:
Osteogenesis imperfecta type I (OI1). Also called: Osteogenesis imperfecta type 1; Lobstein's Disease; Classic Non-deforming Osteogenesis Imperfecta with Blue Sclerae; OI, TYPE I; OSTEOGENESIS IMPERFECTA TARDA; OSTEOGENESIS IMPERFECTA WITH BLUE SCLERAE. Identifiers: Orphanet 216796, Orphanet 666, MedGen C0023931, MONDO:0008146, OMIM 166200. Disease mechanism: loss of function.

Submission:

Labcorp Genetics (formerly Invitae), Labcorp
Classification: Uncertain significance for Osteogenesis imperfecta type I. Last evaluated: 2023-08-29. Review status: criteria provided, single submitter. Criteria: Invitae Variant Classification Sherloc (09022015). Collection method: clinical testing. Allele origin: germline.
Comment: In summary, the available evidence is currently insufficient to determine the role of this variant in disease. Therefore, it has been classified as a Variant of Uncertain Significance. Advanced modeling of protein sequence and biophysical properties (such as structural, functional, and spatial information, amino acid conservation, physicochemical variation, residue mobility, and thermodynamic stability) performed at Invitae indicates that this missense variant is not expected to disrupt COL1A1 protein function. This sequence change replaces proline, which is neutral and non-polar, with alanine, which is neutral and non-polar, at codon 1318 of the COL1A1 protein (p.Pro1318Ala). This variant is not present in population databases (gnomAD no frequency). This variant has not been reported in the literature in individuals affected with COL1A1-related conditions.